The following is an entry in ClinVar:

ClinVar aggregate classification (germline): Conflicting classifications of pathogenicity. Review status: criteria provided, conflicting classifications (1 of 4 stars). 2 submissions from 2 submitters: Uncertain significance (1); Likely benign (1). Last evaluated 2024-04-22.

Conditions:
Immunodeficiency 104. Also called: Severe combined immunodeficiency, autosomal recessive, T cell-negative, B cell-positive, NK cell-positive; SCID, AUTOSOMAL RECESSIVE, T CELL-NEGATIVE, B CELL-POSITIVE, NK CELL-POSITIVE; Severe Combined Immune Deficiency, Autosomal Recessive, TCell -Negative, B Cell-Positive, NK Cell-Positive, IL7R-Related; IMMUNODEFICIENCY 104, SEVERE COMBINED. Identifiers: MedGen C5676890, MONDO:0012163, OMIM 608971.

Allele frequency attached by ClinVar (database versions not stated): ExAC 0.00002; gnomAD exomes 0.00002.
gnomAD v4.1: 29 of 1,613,114 alleles (0.0018%); highest among the groups gnomAD compares: South Asian, 0.014%; no homozygotes.

Submissions (2):

Blueprint Genetics
Classification: Likely benign. Last evaluated: 2024-04-22. Review status: criteria provided, single submitter. Criteria: ACMG Guidelines, 2015. Collection method: clinical testing. Allele origin: germline.

Labcorp Genetics (formerly Invitae), Labcorp
Classification: Uncertain significance for Immunodeficiency 104. Last evaluated: 2021-11-02. Review status: criteria provided, single submitter. Criteria: Invitae Variant Classification Sherloc (09022015). Collection method: clinical testing. Allele origin: germline.
Comment: This sequence change replaces histidine, which is basic and polar, with tyrosine, which is neutral and polar, at codon 1241 of the PTPRC protein (p.His1241Tyr). This variant is present in population databases (rs773038500, gnomAD 0.01%). This variant has not been reported in the literature in individuals affected with PTPRC-related conditions. ClinVar contains an entry for this variant (Variation ID: 849857). Algorithms developed to predict the effect of missense changes on protein structure and function (SIFT, PolyPhen-2, Align-GVGD) all suggest that this variant is likely to be tolerated. In summary, the available evidence is currently insufficient to determine the role of this variant in disease. Therefore, it has been classified as a Variant of Uncertain Significance.

NM_002838.5(PTPRC):c.3721C>T (p.His1241Tyr)

Gene: PTPRC (protein tyrosine phosphatase receptor type C; plus strand). Cytogenetic location: 1q32.1.
Variant type: single nucleotide variant.
Coding change: c.3721C>T on transcript NM_002838.5 (MANE Select); coding-DNA position 3721, C replaced by T.
Protein change: p.His1241Tyr; replaces histidine 1241 with tyrosine.
Molecular consequence: missense variant.
Genome position (GRCh38, 1-based): chr1:198,755,981, C>T. VCF-style: chr1-198755981-C-T. GRCh37 (hg19) VCF-style: chr1-198725110-C-T.
Other names: c.3238C>T, p.His1080Tyr (NM_080921.4); short protein forms H1080Y, H1241Y.
Identifiers: ClinVar variation 849857 (VCV000849857.5), dbSNP rs773038500, ClinGen allele CA1315547.